The following is an entry in ClinVar:

ClinVar aggregate classification (germline): Pathogenic (1 of 4 stars; one submission).

Submission:

Labcorp Genetics (formerly Invitae), Labcorp
Classification: Pathogenic. Last evaluated: 2023-07-03. Review status: criteria provided, single submitter. Criteria: Invitae Variant Classification Sherloc (09022015). Collection method: clinical testing. Allele origin: germline.
Comment: This sequence change creates a premature translational stop signal (p.Gln667Profs*6) in the EIF2AK3 gene. It is expected to result in an absent or disrupted protein product. Loss-of-function variants in EIF2AK3 are known to be pathogenic (PMID: 11997520). This variant is not present in population databases (gnomAD no frequency). This variant has not been reported in the literature in individuals affected with EIF2AK3-related conditions. For these reasons, this variant has been classified as Pathogenic.

Literature cited by the submitters: PubMed 11997520.

NM_004836.7(EIF2AK3):c.1999dup (p.Gln667fs)

Gene: EIF2AK3 (eukaryotic translation initiation factor 2 alpha kinase 3; minus strand). Cytogenetic location: 2p11.2.
Variant type: Duplication.
Coding change: c.1999dup on transcript NM_004836.7 (MANE Select); coding-DNA position 1999, one base duplicated (C; older notation c.1999dupC).
Protein change: p.Gln667fs; shifts the reading frame from glutamine 667.
Molecular consequence: frameshift variant.
Genome position (GRCh38, 1-based): chr2:88,576,591, G duplicated on the plus strand (C on the coding strand, the reverse complement: EIF2AK3 is on the minus strand). VCF-style (leftmost placement, unchanged base first): chr2-88576590-T-TG. GRCh37 (hg19) VCF-style: chr2-88876108-T-TG.
Other names: c.1546dup, p.Gln516fs (NM_001313915.2); short protein forms Q516fs, Q667fs.
Identifiers: ClinVar variation 2734822 (VCV002734822.3), dbSNP rs2529132935, ClinGen allele CA2697548353.